The following is an entry in ClinVar:

ClinVar aggregate classification (germline): Uncertain significance (1 of 4 stars; one submission).

Allele frequency attached by ClinVar (database versions not stated): gnomAD 0.00001; gnomAD exomes below 0.00001; TOPMed 0.00001.
gnomAD v4.1: 2 of 1,614,034 alleles (0.00012%); highest among the groups gnomAD compares: Non-Finnish European, 0.00017%; no homozygotes.

Submission:

Labcorp Genetics (formerly Invitae), Labcorp
Classification: Uncertain significance. Last evaluated: 2023-06-29. Review status: criteria provided, single submitter. Criteria: Invitae Variant Classification Sherloc (09022015). Collection method: clinical testing. Allele origin: germline.
Comment: This variant has not been reported in the literature in individuals affected with ACAD9-related conditions. This variant is not present in population databases (gnomAD no frequency). This sequence change replaces histidine, which is basic and polar, with tyrosine, which is neutral and polar, at codon 453 of the ACAD9 protein (p.His453Tyr). ClinVar contains an entry for this variant (Variation ID: 2079643). An algorithm developed to predict the effect of missense changes on protein structure and function (PolyPhen-2) suggests that this variant is likely to be tolerated. In summary, the available evidence is currently insufficient to determine the role of this variant in disease. Therefore, it has been classified as a Variant of Uncertain Significance.

NM_014049.5(ACAD9):c.1357C>T (p.His453Tyr)

Gene: ACAD9 (acyl-CoA dehydrogenase family member 9; plus strand). Cytogenetic location: 3q21.3.
Variant type: single nucleotide variant.
Coding change: c.1357C>T on transcript NM_014049.5 (MANE Select); coding-DNA position 1357, C replaced by T.
Protein change: p.His453Tyr; replaces histidine 453 with tyrosine.
Molecular consequence: missense variant. On other transcripts: non-coding transcript variant (1).
Genome position (GRCh38, 1-based): chr3:128,908,263, C>T. VCF-style: chr3-128908263-C-T. GRCh37 (hg19) VCF-style: chr3-128627106-C-T.
Other names: c.988C>T, p.His330Tyr (NM_001410805.1); short protein forms H330Y, H453Y.
Identifiers: ClinVar variation 2079643 (VCV002079643.4), dbSNP rs1158774287, ClinGen allele CA354438119.